The following is an entry in ClinVar:

NM_007254.4(PNKP):c.1276C>G (p.Pro426Ala)

Gene: PNKP (polynucleotide kinase 3'-phosphatase; minus strand). Cytogenetic location: 19q13.33.
Variant type: single nucleotide variant.
Coding change: c.1276C>G on transcript NM_007254.4 (MANE Select); coding-DNA position 1276, C replaced by G.
Protein change: p.Pro426Ala; replaces proline 426 with alanine.
Molecular consequence: missense variant.
Genome position (GRCh38, 1-based): chr19:49,861,794, G>C on the plus strand (C>G on the coding strand, the complement: PNKP is on the minus strand). VCF-style: chr19-49861794-G-C. GRCh37 (hg19) VCF-style: chr19-50365051-G-C.
Other names: short protein forms P426A.
Identifiers: ClinVar variation 2150233 (VCV002150233.1), dbSNP rs1279639095, ClinGen allele CA406933422.

ClinVar aggregate classification (germline): Uncertain significance (1 of 4 stars; one submission).

Conditions:
Developmental and epileptic encephalopathy, 12 (DEE12). Identifiers: MedGen C3150988, MONDO:0013389, OMIM 613722.

gnomAD v4.1: 4 of 1,572,116 alleles (0.00025%); highest among the groups gnomAD compares: Admixed American, 0.0019%; no homozygotes.

Submission:

Labcorp Genetics (formerly Invitae), Labcorp
Classification: Uncertain significance for Developmental and epileptic encephalopathy, 12. Last evaluated: 2022-03-19. Review status: criteria provided, single submitter. Criteria: Invitae Variant Classification Sherloc (09022015). Collection method: clinical testing. Allele origin: germline.
Comment: This sequence change replaces proline, which is neutral and non-polar, with alanine, which is neutral and non-polar, at codon 426 of the PNKP protein (p.Pro426Ala). This variant is not present in population databases (gnomAD no frequency). This variant has not been reported in the literature in individuals affected with PNKP-related conditions. Algorithms developed to predict the effect of missense changes on protein structure and function (SIFT, PolyPhen-2, Align-GVGD) all suggest that this variant is likely to be tolerated. In summary, the available evidence is currently insufficient to determine the role of this variant in disease. Therefore, it has been classified as a Variant of Uncertain Significance.